The following is an entry in ClinVar:

ClinVar aggregate classification (germline): Uncertain significance (1 of 4 stars; one submission).

Conditions:
Cardiovascular phenotype. Identifiers: MedGen CN230736.

Submission:

Ambry Genetics
Classification: Uncertain significance for Cardiovascular phenotype. Last evaluated: 2025-01-15. Review status: criteria provided, single submitter. Criteria: Ambry Variant Classification Scheme 2023. Collection method: clinical testing. Allele origin: germline.
Comment: The p.P499L variant (also known as c.1496C>T), located in coding exon 11 of the KCNQ1 gene, results from a C to T substitution at nucleotide position 1496. The proline at codon 499 is replaced by leucine, an amino acid with similar properties. This amino acid position is highly conserved in available vertebrate species. In addition, this alteration is predicted to be deleterious by in silico analysis. Based on the available evidence, the clinical significance of this variant remains unclear.

NM_000218.3(KCNQ1):c.1496C>T (p.Pro499Leu)

Genes: KCNQ1 (potassium voltage-gated channel subfamily Q member 1; plus strand), KCNQ1OT1 (KCNQ1 opposite strand/antisense transcript 1; minus strand). Cytogenetic location: 11p15.5.
Variant type: single nucleotide variant.
Coding change: c.1496C>T on transcript NM_000218.3 (MANE Select); coding-DNA position 1496, C replaced by T.
Protein change: p.Pro499Leu; replaces proline 499 with leucine.
Molecular consequence: missense variant. On other transcripts: non-coding transcript variant (1).
Genome position (GRCh38, 1-based): chr11:2,662,063, C>T. VCF-style: chr11-2662063-C-T. GRCh37 (hg19) VCF-style: chr11-2683293-C-T.
Other names: c.1400C>T, p.Pro467Leu (NM_001406836.1); c.1226C>T, p.Pro409Leu (NM_001406837.1); c.956C>T, p.Pro319Leu (NM_001406838.1); c.1115C>T, p.Pro372Leu (NM_181798.2); short protein forms P467L, P319L, P372L, P499L, P409L.
Identifiers: ClinVar variation 3862983 (VCV003862983.1).